The following is an entry in ClinVar:

ClinVar aggregate classification (germline): Uncertain significance (1 of 4 stars; one submission).

Conditions:
STING-associated vasculopathy with onset in infancy. Also called: Sting-associated vasculopathy, infantile-onset. Identifiers: Orphanet 425120, MedGen C4014722, MONDO:0014405, OMIM 615934.

Allele frequency attached by ClinVar (database versions not stated): gnomAD exomes below 0.00001 and 0.00001.
gnomAD v4.1: 2 of 1,612,586 alleles (0.00012%); highest among the groups gnomAD compares: Admixed American, 0.0033%; no homozygotes.

Submission:

Labcorp Genetics (formerly Invitae), Labcorp
Classification: Uncertain significance for STING-associated vasculopathy with onset in infancy. Last evaluated: 2021-12-03. Review status: criteria provided, single submitter. Criteria: Invitae Variant Classification Sherloc (09022015). Collection method: clinical testing. Allele origin: germline.
Comment: This sequence change replaces glutamine, which is neutral and polar, with lysine, which is basic and polar, at codon 335 of the TMEM173 protein (p.Gln335Lys). In summary, the available evidence is currently insufficient to determine the role of this variant in disease. Therefore, it has been classified as a Variant of Uncertain Significance. Algorithms developed to predict the effect of missense changes on protein structure and function are either unavailable or do not agree on the potential impact of this missense change (SIFT: "Deleterious"; PolyPhen-2: "Probably Damaging"; Align-GVGD: "Class C0"). ClinVar contains an entry for this variant (Variation ID: 857410). This variant has not been reported in the literature in individuals affected with TMEM173-related conditions. This variant is present in population databases (no rsID available, gnomAD 0.006%).

NM_198282.4(STING1):c.1003C>A (p.Gln335Lys)

Gene: STING1 (stimulator of interferon response cGAMP interactor 1; minus strand). Cytogenetic location: 5q31.2.
Variant type: single nucleotide variant.
Coding change: c.1003C>A on transcript NM_198282.4 (MANE Select); coding-DNA position 1003, C replaced by A.
Protein change: p.Gln335Lys; replaces glutamine 335 with lysine.
Molecular consequence: missense variant. On other transcripts: synonymous variant (1).
Genome position (GRCh38, 1-based): chr5:139,476,398, G>T on the plus strand (C>A on the coding strand, the complement: STING1 is on the minus strand). VCF-style: chr5-139476398-G-T. GRCh37 (hg19) VCF-style: chr5-138855983-G-T.
Other names: c.816C>A, p.Gly272= (NM_001301738.2); c.646C>A, p.Gln216Lys (NM_001367258.1); short protein forms Q335K, Q216K.
Identifiers: ClinVar variation 857410 (VCV000857410.9), dbSNP rs1254726825, ClinGen allele CA361479259.